The following is an entry in ClinVar:

ClinVar aggregate classification (germline): Uncertain significance. Review status: criteria provided, multiple submitters, no conflicts (2 of 4 stars). 2 submissions from 2 submitters: Uncertain significance (2). Last evaluated 2025-10-25.

Conditions:
Weaver syndrome (WVS). Also called: Weaver Smith syndrome; Overgrowth syndrome with accelerated skeletal maturation, unusual facies, and camptodactyly. Identifiers: Orphanet 3447, MedGen C0265210, MONDO:0010193, OMIM 277590.

Allele frequency attached by ClinVar (database versions not stated): ExAC 0.00001; gnomAD 0.00001; TOPMed 0.00002.
gnomAD v4.1: 10 of 1,613,756 alleles (0.00062%); highest among the groups gnomAD compares: South Asian, 0.0022%; no homozygotes.

Submissions (2):

Labcorp Genetics (formerly Invitae), Labcorp
Classification: Uncertain significance for Weaver syndrome. Last evaluated: 2025-10-25. Review status: criteria provided, single submitter. Criteria: Invitae Variant Classification Sherloc (09022015). Collection method: clinical testing. Allele origin: germline.
Comment: This sequence change replaces methionine, which is neutral and non-polar, with valine, which is neutral and non-polar, at codon 230 of the EZH2 protein (p.Met230Val). This variant is present in population databases (rs779951996, gnomAD 0.0009%). This variant has not been reported in the literature in individuals affected with EZH2-related conditions. ClinVar contains an entry for this variant (Variation ID: 998249). Invitae Evidence Modeling of protein sequence and biophysical properties (such as structural, functional, and spatial information, amino acid conservation, physicochemical variation, residue mobility, and thermodynamic stability) indicates that this missense variant is not expected to disrupt EZH2 protein function with a negative predictive value of 80%. In summary, the available evidence is currently insufficient to determine the role of this variant in disease. Therefore, it has been classified as a Variant of Uncertain Significance.

Baylor Genetics
Classification: Uncertain significance for Weaver syndrome. Last evaluated: 2020-01-07. Review status: criteria provided, single submitter. Criteria: ACMG Guidelines, 2015. Collection method: clinical testing. Allele origin: maternal. Affected: yes. Study: CSER-TexasKidsCanSeq.
Comment: This variant was determined to be of uncertain significance according to ACMG Guidelines, 2015 [PMID:25741868].

NM_004456.5(EZH2):c.688A>G (p.Met230Val)

Gene: EZH2 (enhancer of zeste 2 polycomb repressive complex 2 subunit; minus strand). Cytogenetic location: 7q36.1.
Variant type: single nucleotide variant.
Coding change: c.688A>G on transcript NM_004456.5 (MANE Select); coding-DNA position 688, A replaced by G.
Protein change: p.Met230Val; replaces methionine 230 with valine.
Molecular consequence: missense variant.
Genome position (GRCh38, 1-based): chr7:148,827,204, T>C on the plus strand (A>G on the coding strand, the complement: EZH2 is on the minus strand). VCF-style: chr7-148827204-T-C. GRCh37 (hg19) VCF-style: chr7-148524296-T-C.
Other names: c.688A>G, p.Met230Val (NM_001203247.2); c.661A>G, p.Met221Val (NM_001203248.2, NM_001203249.2); c.571A>G, p.Met191Val (NM_152998.3); short protein forms M191V, M221V, M230V.
Identifiers: ClinVar variation 998249 (VCV000998249.6), dbSNP rs779951996, ClinGen allele CA4548052.